The following is an entry in ClinVar:

ClinVar aggregate classification (germline): Uncertain significance. Review status: criteria provided, multiple submitters, no conflicts (2 of 4 stars). 2 submissions from 2 submitters: Uncertain significance (2). Last evaluated 2025-07-08.

Conditions:
Hereditary cancer-predisposing syndrome. Also called: Tumor predisposition; Neoplastic Syndromes, Hereditary; Hereditary neoplastic syndrome; Hereditary Cancer Syndrome. Identifiers: Orphanet 140162, MedGen C0027672, MeSH D009386, MONDO:0015356.
Familial cancer of breast. Also called: hereditary breast carcinoma; BREAST CANCER, FAMILIAL; Hereditary breast cancer. Identifiers: Orphanet 227535, MedGen C0346153, MONDO:0016419, OMIM 114480. Disease mechanism: loss of function.

Submissions (2):

Labcorp Genetics (formerly Invitae), Labcorp
Classification: Uncertain significance for Familial cancer of breast. Last evaluated: 2025-07-08. Review status: criteria provided, single submitter. Criteria: Invitae Variant Classification Sherloc (09022015). Collection method: clinical testing. Allele origin: germline.
Comment: This sequence change replaces alanine, which is neutral and non-polar, with serine, which is neutral and polar, at codon 903 of the PALB2 protein (p.Ala903Ser). This variant is not present in population databases (gnomAD no frequency). This variant has not been reported in the literature in individuals affected with PALB2-related conditions. ClinVar contains an entry for this variant (Variation ID: 630421). Invitae Evidence Modeling of protein sequence and biophysical properties (such as structural, functional, and spatial information, amino acid conservation, physicochemical variation, residue mobility, and thermodynamic stability) indicates that this missense variant is not expected to disrupt PALB2 protein function with a negative predictive value of 80%. In summary, the available evidence is currently insufficient to determine the role of this variant in disease. Therefore, it has been classified as a Variant of Uncertain Significance.

Color Diagnostics, LLC DBA Color Health
Classification: Uncertain significance for Hereditary cancer-predisposing syndrome. Last evaluated: 2023-12-05. Review status: criteria provided, single submitter. Criteria: ACMG Guidelines, 2015. Collection method: clinical testing. Allele origin: germline.
Comment: This missense variant replaces alanine with serine at codon 903 of the PALB2 protein. Computational prediction suggests that this variant may not impact protein structure and function (internally defined REVEL score threshold <= 0.5, PMID: 27666373). To our knowledge, functional studies have not been reported for this variant. This variant has not been reported in individuals affected with PALB2-related disorders in the literature. This variant has not been identified in the general population by the Genome Aggregation Database (gnomAD). The available evidence is insufficient to determine the role of this variant in disease conclusively. Therefore, this variant is classified as a Variant of Uncertain Significance.

NM_024675.4(PALB2):c.2707G>T (p.Ala903Ser)

Gene: PALB2 (partner and localizer of BRCA2; minus strand). Cytogenetic location: 16p12.2.
Variant type: single nucleotide variant.
Coding change: c.2707G>T on transcript NM_024675.4 (MANE Select); coding-DNA position 2707, G replaced by T.
Protein change: p.Ala903Ser; replaces alanine 903 with serine.
Molecular consequence: missense variant.
Genome position (GRCh38, 1-based): chr16:23,626,277, C>A on the plus strand (G>T on the coding strand, the complement: PALB2 is on the minus strand). VCF-style: chr16-23626277-C-A. GRCh37 (hg19) VCF-style: chr16-23637598-C-A.
Other names: short protein forms A903S.
Identifiers: ClinVar variation 630421 (VCV000630421.5), dbSNP rs1324636666, ClinGen allele CA395121921.